The following is an entry in ClinVar:

NM_001013838.3(CARMIL2):c.274C>T (p.Arg92Cys)

Gene: CARMIL2 (capping protein regulator and myosin 1 linker 2; plus strand). Cytogenetic location: 16q22.1.
Variant type: single nucleotide variant.
Coding change: c.274C>T on transcript NM_001013838.3 (MANE Select); coding-DNA position 274, C replaced by T.
Protein change: p.Arg92Cys; replaces arginine 92 with cysteine.
Molecular consequence: missense variant.
Genome position (GRCh38, 1-based): chr16:67,646,210, C>T. VCF-style: chr16-67646210-C-T. GRCh37 (hg19) VCF-style: chr16-67680113-C-T.
Other names: c.274C>T, p.Arg92Cys (NM_001317026.3); short protein forms R92C.
Identifiers: ClinVar variation 1370953 (VCV001370953.6), dbSNP rs749872588, ClinGen allele CA8113012.

ClinVar aggregate classification (germline): Uncertain significance (1 of 4 stars; one submission).

Allele frequency attached by ClinVar (database versions not stated): TOPMed below 0.00001.

Submission:

Labcorp Genetics (formerly Invitae), Labcorp
Classification: Uncertain significance. Last evaluated: 2024-10-29. Review status: criteria provided, single submitter. Criteria: Invitae Variant Classification Sherloc (09022015). Collection method: clinical testing. Allele origin: germline.
Comment: This sequence change replaces arginine, which is basic and polar, with cysteine, which is neutral and slightly polar, at codon 92 of the CARMIL2 protein (p.Arg92Cys). This variant is present in population databases (rs749872588, gnomAD 0.01%). This variant has not been reported in the literature in individuals affected with CARMIL2-related conditions. ClinVar contains an entry for this variant (Variation ID: 1370953). An algorithm developed to predict the effect of missense changes on protein structure and function (PolyPhen-2) suggests that this variant is likely to be tolerated. In summary, the available evidence is currently insufficient to determine the role of this variant in disease. Therefore, it has been classified as a Variant of Uncertain Significance.